The following is an entry in ClinVar:

NM_019842.4(KCNQ5):c.391G>A (p.Ala131Thr)

Genes: KCNQ5 (potassium voltage-gated channel subfamily Q member 5; plus strand), KCNQ5-DT (KCNQ5 divergent transcript; minus strand). Cytogenetic location: 6q13.
Variant type: single nucleotide variant.
Coding change: c.391G>A on transcript NM_019842.4 (MANE Select); coding-DNA position 391, G replaced by A.
Protein change: p.Ala131Thr; replaces alanine 131 with threonine.
Molecular consequence: missense variant.
Genome position (GRCh38, 1-based): chr6:72,622,580, G>A. VCF-style: chr6-72622580-G-A. GRCh37 (hg19) VCF-style: chr6-73332308-G-A.
Other names: c.391G>A, p.Ala131Thr (NM_001160130.2, NM_001160132.2, NM_001160133.2 and 1 more transcripts); short protein forms A131T.
Identifiers: ClinVar variation 1449542 (VCV001449542.9), dbSNP rs2098915887, ClinGen allele CA364824754.

ClinVar aggregate classification (germline): Uncertain significance (1 of 4 stars; one submission).

Allele frequency attached by ClinVar (database versions not stated): gnomAD exomes below 0.00001.
gnomAD v4.1: 1 of 1,612,456 alleles (0.000062%); highest among the groups gnomAD compares: Non-Finnish European, 0.000085%; no homozygotes.

Submission:

Labcorp Genetics (formerly Invitae), Labcorp
Classification: Uncertain significance. Last evaluated: 2021-02-01. Review status: criteria provided, single submitter. Criteria: Invitae Variant Classification Sherloc (09022015). Collection method: clinical testing. Allele origin: germline.
Comment: In summary, the available evidence is currently insufficient to determine the role of this variant in disease. Therefore, it has been classified as a Variant of Uncertain Significance. Algorithms developed to predict the effect of missense changes on protein structure and function (SIFT, PolyPhen-2, Align-GVGD) all suggest that this variant is likely to be tolerated, but these predictions have not been confirmed by published functional studies and their clinical significance is uncertain. This variant has not been reported in the literature in individuals with KCNQ5-related conditions. This variant is not present in population databases (ExAC no frequency). This sequence change replaces alanine with threonine at codon 131 of the KCNQ5 protein (p.Ala131Thr). The alanine residue is weakly conserved and there is a small physicochemical difference between alanine and threonine.